The following is an entry in ClinVar:

ClinVar aggregate classification (germline): Pathogenic (1 of 4 stars; one submission).

Submission:

Labcorp Genetics (formerly Invitae), Labcorp
Classification: Pathogenic. Last evaluated: 2025-01-27. Review status: criteria provided, single submitter. Criteria: Invitae Variant Classification Sherloc (09022015). Collection method: clinical testing. Allele origin: germline.
Comment: This sequence change creates a premature translational stop signal (p.Arg282Leufs*4) in the SPART gene. It is expected to result in an absent or disrupted protein product. Loss-of-function variants in SPART are known to be pathogenic (PMID: 18413476, 20437587, 20504295). This variant is not present in population databases (gnomAD no frequency). This variant has not been reported in the literature in individuals affected with SPART-related conditions. ClinVar contains an entry for this variant (Variation ID: 1949967). For these reasons, this variant has been classified as Pathogenic.

Literature cited by the submitters: PubMed 18413476; PubMed 20437587; PubMed 20504295.

NM_015087.5(SPART):c.844_847del (p.Arg282fs)

Gene: SPART (spartin; minus strand). Cytogenetic location: 13q13.3.
Variant type: Deletion.
Coding change: c.844_847del on transcript NM_015087.5 (MANE Select); coding-DNA positions 844 to 847, 4 bases deleted (AGAT; older notation c.844_847delAGAT).
Protein change: p.Arg282fs; shifts the reading frame from arginine 282.
Molecular consequence: frameshift variant.
Genome position (GRCh38, 1-based): chr13:36,331,560-36,331,563, ATCT deleted on the plus strand (AGAT on the coding strand, the reverse complement: SPART is on the minus strand); deleting any 4 consecutive bases within chr13:36,331,560-36,331,566 gives the same sequence; the c. name uses the placement nearest the transcript's 3' end. VCF-style (leftmost placement, unchanged base first): chr13-36331559-GATCT-G. GRCh37 (hg19) VCF-style: chr13-36905696-GATCT-G.
Other names: c.844_847del, p.Arg282fs (NM_001142294.2, NM_001142295.2, NM_001142296.2); short protein forms R282fs.
Identifiers: ClinVar variation 1949967 (VCV001949967.5), dbSNP rs1883463670, ClinGen allele CA2084638001.